The following is an entry in ClinVar:

ClinVar aggregate classification (germline): Uncertain significance (1 of 4 stars; one submission).

Conditions:
Hereditary spastic paraplegia 39 (SPG39). Also called: SPASTIC PARAPLEGIA 39, AUTOSOMAL RECESSIVE; Spastic Paraplegia Type 39 (SPG39). Identifiers: Orphanet 139480, MedGen C2677586, MONDO:0012787, OMIM 612020.

Allele frequency attached by ClinVar (database versions not stated): gnomAD 0.00004; TOPMed 0.00005; ExAC 0.00015; 1000 Genomes Project 30x 0.00016; gnomAD exomes 0.00016; 1000 Genomes Project 0.00020.

Submission:

Labcorp Genetics (formerly Invitae), Labcorp
Classification: Uncertain significance for Hereditary spastic paraplegia 39. Last evaluated: 2022-07-18. Review status: criteria provided, single submitter. Criteria: Invitae Variant Classification Sherloc (09022015). Collection method: clinical testing. Allele origin: germline.
Comment: ClinVar contains an entry for this variant (Variation ID: 960288). In summary, the available evidence is currently insufficient to determine the role of this variant in disease. Therefore, it has been classified as a Variant of Uncertain Significance. Algorithms developed to predict the effect of sequence changes on RNA splicing suggest that this variant may create or strengthen a splice site. Algorithms developed to predict the effect of missense changes on protein structure and function (SIFT, PolyPhen-2, Align-GVGD) all suggest that this variant is likely to be tolerated. This variant has not been reported in the literature in individuals affected with PNPLA6-related conditions. This variant is present in population databases (rs535890270, gnomAD 0.2%). This sequence change replaces arginine, which is basic and polar, with glutamine, which is neutral and polar, at codon 167 of the PNPLA6 protein (p.Arg167Gln).

NM_001166114.2(PNPLA6):c.617G>A (p.Arg206Gln)

Gene: PNPLA6 (patatin like domain 6, lysophospholipase; plus strand). Cytogenetic location: 19p13.2.
Variant type: single nucleotide variant.
Coding change: c.617G>A on transcript NM_001166114.2 (MANE Select); coding-DNA position 617, G replaced by A.
Protein change: p.Arg206Gln; replaces arginine 206 with glutamine.
Molecular consequence: missense variant.
Genome position (GRCh38, 1-based): chr19:7,540,211, G>A. VCF-style: chr19-7540211-G-A. GRCh37 (hg19) VCF-style: chr19-7605097-G-A.
Other names: c.644G>A, p.Arg215Gln (NM_001166111.2); c.500G>A, p.Arg167Gln (NM_001166112.2, NM_001166113.1, NM_006702.5); short protein forms R206Q, R167Q, R215Q.
Identifiers: ClinVar variation 960288 (VCV000960288.9), dbSNP rs535890270, ClinGen allele CA9139517.